The following is an entry in ClinVar:

NM_001242896.3(DEPDC5):c.1766G>A (p.Gly589Asp)

Gene: DEPDC5 (DEP domain containing 5, GATOR1 subcomplex subunit; plus strand). Cytogenetic location: 22q12.3.
Variant type: single nucleotide variant.
Coding change: c.1766G>A on transcript NM_001242896.3 (MANE Select); coding-DNA position 1766, G replaced by A.
Protein change: p.Gly589Asp; replaces glycine 589 with aspartic acid.
Molecular consequence: missense variant. On other transcripts: non-coding transcript variant (5).
Genome position (GRCh38, 1-based): chr22:31,819,121, G>A. VCF-style: chr22-31819121-G-A. GRCh37 (hg19) VCF-style: chr22-32215107-G-A.
Other names: c.1766G>A, p.Gly589Asp (NM_001136029.4, NM_001242897.2, NM_001363852.2 and 6 more transcripts); c.1682G>A, p.Gly561Asp (NM_001369901.1, NM_001369902.1); short protein forms G589D, G561D.
Identifiers: ClinVar variation 1398756 (VCV001398756.6), dbSNP rs2148801784, ClinGen allele CA411280735.
Genomic context (GRCh38, chr22:31,819,121, plus strand): 5'-CCAGTGCACCAGGGAGGTTTCACGTTGGCAGTGCAGAATCCATGCTGCATGTTCGACCTG[G>A]TGGATACACGCCCCAGAGAGCACTGATTAACCCCTTCGCTCCCTCTCGGATGCCCATGAA-3'
Protein context (NP_001229825.1, residues 579-599): SAESMLHVRP[Gly589Asp]GYTPQRALIN

ClinVar aggregate classification (germline): Uncertain significance (1 of 4 stars; one submission).

Conditions:
Familial focal epilepsy with variable foci (FPEVF). Identifiers: Orphanet 98820, MedGen C1858477, MONDO:0020310.

Submission:

Labcorp Genetics (formerly Invitae), Labcorp
Classification: Uncertain significance for Familial focal epilepsy with variable foci. Last evaluated: 2022-07-19. Review status: criteria provided, single submitter. Criteria: Invitae Variant Classification Sherloc (09022015). Collection method: clinical testing. Allele origin: germline.
Comment: This sequence change replaces glycine, which is neutral and non-polar, with aspartic acid, which is acidic and polar, at codon 589 of the DEPDC5 protein (p.Gly589Asp). In summary, the available evidence is currently insufficient to determine the role of this variant in disease. Therefore, it has been classified as a Variant of Uncertain Significance. Algorithms developed to predict the effect of missense changes on protein structure and function are either unavailable or do not agree on the potential impact of this missense change (SIFT: "Tolerated"; PolyPhen-2: "Not Available"; Align-GVGD: "Class C0"). ClinVar contains an entry for this variant (Variation ID: 1398756). This variant has not been reported in the literature in individuals affected with DEPDC5-related conditions. This variant is not present in population databases (gnomAD no frequency).